The following is an entry in ClinVar:

ClinVar aggregate classification (germline): Uncertain significance. Review status: criteria provided, multiple submitters, no conflicts (2 of 4 stars). 2 submissions from 2 submitters: Uncertain significance (2). Last evaluated 2024-04-23.

Conditions:
Hereditary cancer-predisposing syndrome. Also called: Hereditary neoplastic syndrome; Neoplastic Syndromes, Hereditary; Hereditary Cancer Syndrome; Tumor predisposition. Identifiers: Orphanet 140162, MedGen C0027672, MeSH D009386, MONDO:0015356.
Parathyroid carcinoma (PRTC). Also called: CDC73-Related Parathyroid Carcinoma; Parathyroid gland carcinoma. Identifiers: Orphanet 143, MedGen C0687150, MONDO:0012004, OMIM 608266, HP:0006780.

Submissions (2):

Ambry Genetics
Classification: Uncertain significance for Hereditary cancer-predisposing syndrome. Last evaluated: 2024-04-23. Review status: criteria provided, single submitter. Criteria: Ambry Variant Classification Scheme 2023. Collection method: clinical testing. Allele origin: germline.
Comment: The p.P285A variant (also known as c.853C>G), located in coding exon 9 of the CDC73 gene, results from a C to G substitution at nucleotide position 853. The proline at codon 285 is replaced by alanine, an amino acid with highly similar properties. This amino acid position is conserved. In addition, this alteration is predicted to be tolerated by in silico analysis. Based on the available evidence, the clinical significance of this variant remains unclear.

Labcorp Genetics (formerly Invitae), Labcorp
Classification: Uncertain significance for Parathyroid carcinoma. Last evaluated: 2023-12-28. Review status: criteria provided, single submitter. Criteria: Invitae Variant Classification Sherloc (09022015). Collection method: clinical testing. Allele origin: germline.
Comment: This sequence change replaces proline, which is neutral and non-polar, with alanine, which is neutral and non-polar, at codon 285 of the CDC73 protein (p.Pro285Ala). This variant is not present in population databases (gnomAD no frequency). This variant has not been reported in the literature in individuals affected with CDC73-related conditions. Advanced modeling of protein sequence and biophysical properties (such as structural, functional, and spatial information, amino acid conservation, physicochemical variation, residue mobility, and thermodynamic stability) performed at Invitae indicates that this missense variant is not expected to disrupt CDC73 protein function with a negative predictive value of 80%. In summary, the available evidence is currently insufficient to determine the role of this variant in disease. Therefore, it has been classified as a Variant of Uncertain Significance.

NM_024529.5(CDC73):c.853C>G (p.Pro285Ala)

Gene: CDC73 (cell division cycle 73; plus strand). Cytogenetic location: 1q31.2.
Variant type: single nucleotide variant.
Coding change: c.853C>G on transcript NM_024529.5 (MANE Select); coding-DNA position 853, C replaced by G.
Protein change: p.Pro285Ala; replaces proline 285 with alanine.
Molecular consequence: missense variant.
Genome position (GRCh38, 1-based): chr1:193,150,328, C>G. VCF-style: chr1-193150328-C-G. GRCh37 (hg19) VCF-style: chr1-193119458-C-G.
Other names: short protein forms P285A.
Identifiers: ClinVar variation 2705990 (VCV002705990.4), dbSNP rs2103132188, ClinGen allele CA343964968.